The following is an entry in ClinVar:

NM_206933.4(USH2A):c.3454_3455del (p.Leu1152fs)

Genes: USH2A (usherin; minus strand), USH2A-AS1 (USH2A antisense RNA 1; plus strand). Cytogenetic location: 1q41.
Variant type: Deletion.
Coding change: c.3454_3455del on transcript NM_206933.4 (MANE Select); coding-DNA positions 3454 to 3455, 2 bases deleted (TT; older notation c.3454_3455delTT).
Protein change: p.Leu1152fs; shifts the reading frame from leucine 1152.
Molecular consequence: frameshift variant.
Genome position (GRCh38, 1-based): chr1:216,199,983-216,199,984, AA deleted on the plus strand (TT on the coding strand, the reverse complement: USH2A is on the minus strand). VCF-style (leftmost placement, unchanged base first): chr1-216199982-CAA-C. GRCh37 (hg19) VCF-style: chr1-216373324-CAA-C.
Other names: c.3454_3455del, p.Leu1152fs (NM_007123.6); short protein forms L1152fs.
Identifiers: ClinVar variation 2125102 (VCV002125102.4), dbSNP rs2528046838, ClinGen allele CA2580062163.
Genomic context (GRCh38, chr1:216,199,982, plus strand): 5'-GAGTGTTGTCCAGGTAAGTGTCACAGAGTCTGAGCCAATAGGAATGATATAACTTAAAGT[CAA>C]GTTTCCCTCTGGGACCCCTGGTTTTGTCTTGTAAGTGACAGCTACACTCCTTGTTGAACC-3'

ClinVar aggregate classification (germline): Pathogenic (1 of 4 stars; one submission).

Submission:

Labcorp Genetics (formerly Invitae), Labcorp
Classification: Pathogenic. Last evaluated: 2025-04-28. Review status: criteria provided, single submitter. Criteria: Invitae Variant Classification Sherloc (09022015). Collection method: clinical testing. Allele origin: germline.
Comment: This sequence change creates a premature translational stop signal (p.Leu1152Aspfs*50) in the USH2A gene. It is expected to result in an absent or disrupted protein product. Loss-of-function variants in USH2A are known to be pathogenic (PMID: 10729113, 10909849, 20507924, 25649381). This variant is not present in population databases (gnomAD no frequency). This variant has not been reported in the literature in individuals affected with USH2A-related conditions. ClinVar contains an entry for this variant (Variation ID: 2125102). For these reasons, this variant has been classified as Pathogenic.

Literature cited by the submitters: PubMed 10729113; PubMed 10909849; PubMed 20507924; PubMed 25649381.